The following is an entry in ClinVar:

ClinVar aggregate classification (germline): Likely pathogenic (1 of 4 stars; one submission).

Conditions:
DBH-related disorder. Also called: DBH-related condition.

Submission:

PreventionGenetics, part of Exact Sciences
Classification: Likely pathogenic for DBH-related condition. Last evaluated: 2025-10-17. Review status: criteria provided, single submitter. Criteria: ACMG Guidelines, 2015. Collection method: clinical testing. Allele origin: germline.
Comment: The DBH c.409C>T variant is predicted to result in premature protein termination (p.Gln137*). To our knowledge, this variant has not been reported in the literature or in a large population database (gnomAD), indicating this variant is rare. Nonsense variants in DBH are expected to be pathogenic. This variant is interpreted as likely pathogenic.

NM_000787.4(DBH):c.409C>T (p.Gln137Ter)

Gene: DBH (dopamine beta-hydroxylase; plus strand). Cytogenetic location: 9q34.2.
Variant type: single nucleotide variant.
Coding change: c.409C>T on transcript NM_000787.4 (MANE Select); coding-DNA position 409, C replaced by T.
Protein change: p.Gln137Ter; replaces glutamine 137 with a stop codon.
Molecular consequence: nonsense.
Genome position (GRCh38, 1-based): chr9:133,639,915, C>T. VCF-style: chr9-133639915-C-T. GRCh37 (hg19) VCF-style: chr9-136505037-C-T.
Other names: short protein forms Q137*.
Identifiers: ClinVar variation 4995510 (VCV004995510.1).